The following is an entry in ClinVar:

ClinVar aggregate classification (germline): Uncertain significance. Review status: criteria provided, multiple submitters, no conflicts (2 of 4 stars). 2 submissions from 2 submitters: Uncertain significance (2). Last evaluated 2025-04-12.

Conditions:
AXIN2-related disorder.
Oligodontia-cancer predisposition syndrome. Also called: TOOTH AGENESIS-COLORECTAL CANCER SYNDROME. Identifiers: Orphanet 300576, MedGen C1837750, MONDO:0012075, OMIM 608615. Disease mechanism: loss of function.

Submissions (2):

PreventionGenetics, part of Exact Sciences
Classification: Uncertain significance for AXIN2-related condition. Last evaluated: 2025-04-12. Review status: criteria provided, single submitter. Criteria: ACMG Guidelines, 2015. Collection method: clinical testing. Allele origin: germline.
Comment: The AXIN2 c.271_272delinsAT variant is predicted to result in an in-frame deletion and insertion. To our knowledge, this variant has not been reported in the literature or in a large population database (gnomAD), indicating this variant is rare. This variant is interpreted as having uncertain clinical significance in ClinVar. At this time, the clinical significance of this variant is uncertain due to the absence of conclusive functional and genetic evidence.

Labcorp Genetics (formerly Invitae), Labcorp
Classification: Uncertain significance for Oligodontia-cancer predisposition syndrome. Last evaluated: 2024-12-19. Review status: criteria provided, single submitter. Criteria: Invitae Variant Classification Sherloc (09022015). Collection method: clinical testing. Allele origin: germline.
Comment: This sequence change replaces glycine, which is neutral and non-polar, with isoleucine, which is neutral and non-polar, at codon 91 of the AXIN2 protein (p.Gly91Ile). Information on the frequency of this variant in the gnomAD database is not available, as this variant may be reported differently in the database. This variant has not been reported in the literature in individuals affected with AXIN2-related conditions. An algorithm developed to predict the effect of missense changes on protein structure and function (PolyPhen-2) suggests that this variant is likely to be disruptive. In summary, the available evidence is currently insufficient to determine the role of this variant in disease. Therefore, it has been classified as a Variant of Uncertain Significance.

NM_004655.4(AXIN2):c.271_272delinsAT (p.Gly91Ile)

Gene: AXIN2 (axin 2; minus strand). Cytogenetic location: 17q24.1.
Variant type: Indel.
Coding change: c.271_272delinsAT on transcript NM_004655.4 (MANE Select); coding-DNA positions 271 to 272, GG replaced by AT.
Protein change: p.Gly91Ile; replaces glycine 91 with isoleucine.
Molecular consequence: missense variant.
Genome position (GRCh38, 1-based): chr17:65,558,349-65,558,350, CC replaced by AT on the plus strand (GG replaced by AT on the coding strand, the reverse complement: AXIN2 is on the minus strand). VCF-style: chr17-65558349-CC-AT. GRCh37 (hg19) VCF-style: chr17-63554467-CC-AT.
Other names: c.271_272delinsAT (NM_004655.3); c.271_272delinsAT, p.Gly91Ile (NM_001363813.1); c.271_272delGGinsAT, p.Gly91Ile (NM_004655.3); short protein forms G91I.
Identifiers: ClinVar variation 3727655 (VCV003727655.3).